The following is an entry in ClinVar:

ClinVar aggregate classification (germline): Pathogenic. Review status: reviewed by expert panel (3 of 4 stars). 9 submissions from 9 submitters: Pathogenic (1). 8 of the submissions do not count toward it. Last evaluated 2017-03-17.

Conditions:
Cystic fibrosis (CF). Also called: MUCOVISCIDOSIS. Identifiers: Orphanet 586, MedGen C0010674, MONDO:0009061, OMIM 219700. Disease mechanism: loss of function.
Bronchiectasis with or without elevated sweat chloride 1 (BESC1). Also called: Cystic Fibrosis-Like Syndrome. Identifiers: Orphanet 60033, MedGen C2749757, MONDO:0008887, OMIM 211400.
CFTR-related disorder (CFTR-RD). Also called: CFTR-related condition; CFTR-related disorders. Identifiers: MedGen C5924204, MONDO:7770004.
Congenital bilateral aplasia of vas deferens from CFTR mutation (CBAVD). Identifiers: Orphanet 48, MedGen C0403814, MONDO:0010178, OMIM 277180. Disease mechanism: loss of function.

Submissions (9):

CFTR2
Classification: Pathogenic for Cystic fibrosis. Last evaluated: 2017-03-17. Review status: reviewed by expert panel. Criteria: Sosnay PR et al. (Nat Genet 2013). Collection method: research. Allele origin: germline. Affected: yes. Study: CFTR2.

Otogenetics
Classification: Pathogenic for Cystic fibrosis; Congenital bilateral aplasia of vas deferens from CFTR mutation. Last evaluated: 2026-02-01. Review status: criteria provided, single submitter. Criteria: ACMG Guidelines, 2015. Collection method: clinical testing. Allele origin: germline. Not counted in ClinVar's aggregate classification.
Comment: PVS1: Frameshift indel introduces premature stop codon in gene with loss of function as mechanism of disease, not predicted to undergo NMD; PM2: Variant not observed in gnomAD (<0.296% threshold); PM3: Variant reported and confirmed in trans with 1 pathogenic variant in an individual affected with cystic fibrosis (PMID: 20510657)

Labcorp Genetics (formerly Invitae), Labcorp
Classification: Pathogenic for Cystic fibrosis. Last evaluated: 2025-12-24. Review status: criteria provided, single submitter. Criteria: Invitae Variant Classification Sherloc (09022015). Collection method: clinical testing. Allele origin: germline. Not counted in ClinVar's aggregate classification.
Comment: This sequence change creates a premature translational stop signal (p.Cys1400*) in the CFTR gene. While this is not anticipated to result in nonsense mediated decay, it is expected to disrupt the last 81 amino acid(s) of the CFTR protein. This variant is not present in population databases (gnomAD no frequency). This premature translational stop signal has been observed in individual(s) with cystic fibrosis (PMID: 20510657). This variant is also known as 4329delCT. This variant disrupts a region of the CFTR protein in which other variant(s) (p.Glu1418Argfs*14) have been determined to be pathogenic (PMID: 7691344, 15638824, 23974870). This suggests that this is a clinically significant region of the protein, and that variants that disrupt it are likely to be disease-causing. For these reasons, this variant has been classified as Pathogenic.

Women's Health and Genetics/Laboratory Corporation of America, LabCorp
Classification: Pathogenic for Cystic fibrosis. Last evaluated: 2025-01-17. Review status: criteria provided, single submitter. Criteria: LabCorp Variant Classification Summary - May 2015. Collection method: clinical testing. Allele origin: germline. Not counted in ClinVar's aggregate classification.
Comment: Variant summary: CFTR c.4197_4198delCT (p.Cys1400X; also known as 4326delTC in the literature) results in a premature termination codon, predicted to cause a truncation of the encoded protein but not expected to result in nonsense mediated decay. The variant was absent in 250670 control chromosomes (gnomAD). c.4197_4198delCT has been reported in the literature in individuals affected with Cystic Fibrosis (example: Jambhekar_2010, Raraigh_2022). Several downstream pathogenic variants (e.g. p.Glu1433X, p.Ser1455X, p.Lys1459GlnfsX3, p.Glu1470X,p.Gln1476X) have been reported by our laboratory. The following publications have been ascertained in the context of this evaluation (PMID: 20510657, 34782259). ClinVar contains an entry for this variant (Variation ID: 487399). Based on the evidence outlined above, the variant was classified as pathogenic.

Natera, Inc.
Classification: Pathogenic for CFTR-related disorders. Last evaluated: 2024-07-24. Review status: criteria provided, single submitter. Criteria: Natera Variant Classification Schema (03/2026). Collection method: clinical testing. Allele origin: germline. Not counted in ClinVar's aggregate classification.
Comment: The c.4197_4198delCT variant in CFTR is a frameshift variant predicted to shift the reading frame and introduce a stop codon. This variant is expected to result in nonsense mediated decay, truncation, or a dysfunctional protein product. This variant is rare in the general population with a frequency below the threshold expected for the associated phenotype(s). This variant has been observed in one or more individuals affected with the associated recessive disease, as either homozygous or compound heterozygous with a second variant (PMID: 7472820, 20510657). Given the available evidence, this variant is classified as Pathogenic.

Baylor Genetics
Classification: Pathogenic for Bronchiectasis with or without elevated sweat chloride 1. Last evaluated: 2023-06-24. Review status: criteria provided, single submitter. Criteria: ACMG Guidelines, 2015. Collection method: clinical testing. Allele origin: unknown. Not counted in ClinVar's aggregate classification.

Institute of Human Genetics, University of Leipzig Medical Center
Classification: Likely pathogenic for Cystic fibrosis. Last evaluated: 2022-09-05. Review status: criteria provided, single submitter. Criteria: ACMG Guidelines, 2015. Collection method: curation. Allele origin: unknown. Affected: yes. Observed: 1 variant allele. Not counted in ClinVar's aggregate classification.
Comment: The variant was classified in the context of a project re-classifying variants in the German Cystic Fibrosis Registry (Muko.e.V.). Criteria applied: PVS1_STR, PM2_SUP, PM3_STR

Mayo Clinic Laboratories, Mayo Clinic
Classification: Pathogenic. Last evaluated: 2020-02-17. Review status: criteria provided, single submitter. Criteria: ACMG Guidelines, 2015. Collection method: clinical testing. Allele origin: germline. Observed: 1 variant allele. Not counted in ClinVar's aggregate classification.
Comment: PVS1, PM2, PM3, PP5

CFTR-France
Classification: Pathogenic for cystic fibrosis. Last evaluated: 2018-01-29. Review status: criteria provided, single submitter. Criteria: Claustres M et al. (Hum Mutat 2017). Collection method: curation. Allele origin: germline. Affected: yes. Not counted in ClinVar's aggregate classification.

Literature cited by the submitters: PubMed 20510657 (cited by 4 submitters); PubMed 7691344 (cited by Labcorp Genetics (formerly Invitae), Labcorp); PubMed 15638824 (cited by Labcorp Genetics (formerly Invitae), Labcorp); PubMed 23974870 (cited by Labcorp Genetics (formerly Invitae), Labcorp); PubMed 34782259 (cited by Women's Health and Genetics/Laboratory Corporation of America, LabCorp); PubMed 7472820 (cited by Natera, Inc.); PubMed 11022033 (cited by Mayo Clinic Laboratories, Mayo Clinic).

NM_000492.4(CFTR):c.4197_4198del (p.Leu1399_Cys1400insTer)

Gene: CFTR (CF transmembrane conductance regulator; plus strand). Cytogenetic location: 7q31.2.
Variant type: Microsatellite.
Coding change: c.4197_4198del on transcript NM_000492.4 (MANE Select); coding-DNA positions 4197 to 4198, 2 bases deleted (CT; older notation c.4197_4198delCT).
Protein change: p.Leu1399_Cys1400insTer.
Molecular consequence: frameshift variant.
Genome position (GRCh38, 1-based): chr7:117,665,519-117,665,520, CT deleted; deleting any 2 consecutive bases within chr7:117,665,516-117,665,520 gives the same sequence; the c. name uses the placement nearest the transcript's 3' end. VCF-style (leftmost placement, unchanged base first): chr7-117665515-TTC-T. GRCh37 (hg19) VCF-style: chr7-117305569-TTC-T.
Other names: 4326delTC; c.4197_4198delCT (NM_000492.4, NM_000492.3).
Identifiers: ClinVar variation 487399 (VCV000487399.21), dbSNP rs397508693, ClinGen allele CA327443.